The following is an entry in ClinVar:

NM_022098.4(XPNPEP3):c.*3137C>G

Gene: XPNPEP3 (X-prolyl aminopeptidase 3; plus strand). Cytogenetic location: 22q13.2.
Variant type: single nucleotide variant.
Coding change: c.*3137C>G on transcript NM_022098.4 (MANE Select); 3137 bases downstream of the stop codon, C replaced by G.
Molecular consequence: 3 prime UTR variant.
Genome position (GRCh38, 1-based): chr22:40,929,572, C>G. VCF-style: chr22-40929572-C-G. GRCh37 (hg19) VCF-style: chr22-41325576-C-G.
Identifiers: ClinVar variation 341728 (VCV000341728.6), dbSNP rs12168140, ClinGen allele CA10645562.

ClinVar aggregate classification (germline): Benign. Review status: criteria provided, multiple submitters, no conflicts (2 of 4 stars). 2 submissions from 2 submitters: Benign (2). Last evaluated 2018-01-13.

Conditions:
Nephronophthisis-like nephropathy 1 (NPHPL1). Identifiers: Orphanet 655, MedGen C3150419, MONDO:0013163, OMIM 613159.

Allele frequency attached by ClinVar (database versions not stated): gnomAD 0.05343 and 0.05733; 1000 Genomes Project 0.05491; 1000 Genomes Project 30x 0.05793; TOPMed 0.05959.

Submissions (2):

Illumina Laboratory Services, Illumina
Classification: Benign for Nephronophthisis-like nephropathy 1. Last evaluated: 2018-01-13. Review status: criteria provided, single submitter. Criteria: ICSL Variant Classification Criteria 13 December 2019. Collection method: clinical testing. Allele origin: germline.
Comment: This variant was observed in the ICSL laboratory as part of a predisposition screen in an ostensibly healthy population. It had not been previously curated by ICSL or reported in the Human Gene Mutation Database (HGMD: prior to June 1st, 2018), and was therefore a candidate for classification through an automated scoring system. Utilizing variant allele frequency, disease prevalence and penetrance estimates, and inheritance mode, an automated score was calculated to assess if this variant is too frequent to cause the disease. Based on the score and internal cut-off values, a variant classified as benign is not then subjected to further curation. The score for this variant resulted in a classification of benign for this disease.

Breakthrough Genomics
Classification: Benign. Review status: criteria provided, single submitter. Criteria: ACMG Guidelines, 2015. Collection method: not provided. Allele origin: germline. Inheritance: Autosomal recessive inheritance. Affected: yes.